The following is an entry in ClinVar:

ClinVar aggregate classification (germline): Uncertain significance (1 of 4 stars; one submission).

Conditions:
Hereditary breast ovarian cancer syndrome. Also called: Hereditary breast and ovarian cancer syndrome; Hereditary breast and ovarian cancer syndrome (HBOC); BRCA1- and BRCA2-Associated Hereditary Breast and Ovarian Cancer; Hereditary breast and ovarian cancer; Breast and ovarian cancer; Hereditary breast and/or ovarian cancer syndrome. Identifiers: Orphanet 145, MedGen C0677776, MeSH D061325, MONDO:0003582. Disease mechanism: loss of function.

Submission:

Labcorp Genetics (formerly Invitae), Labcorp
Classification: Uncertain significance for Hereditary breast ovarian cancer syndrome. Last evaluated: 2025-01-20. Review status: criteria provided, single submitter. Criteria: Invitae Variant Classification Sherloc (09022015). Collection method: clinical testing. Allele origin: germline.
Comment: This sequence change replaces histidine, which is basic and polar, with glutamine, which is neutral and polar, at codon 477 of the BRCA2 protein (p.His477Gln). This variant is not present in population databases (gnomAD no frequency). This variant has not been reported in the literature in individuals affected with BRCA2-related conditions. Invitae Evidence Modeling of protein sequence and biophysical properties (such as structural, functional, and spatial information, amino acid conservation, physicochemical variation, residue mobility, and thermodynamic stability) indicates that this missense variant is not expected to disrupt BRCA2 protein function with a negative predictive value of 95%. In summary, the available evidence is currently insufficient to determine the role of this variant in disease. Therefore, it has been classified as a Variant of Uncertain Significance.

NM_000059.4(BRCA2):c.1431T>A (p.His477Gln)

Gene: BRCA2 (BRCA2 DNA repair associated; plus strand). Cytogenetic location: 13q13.1.
Variant type: single nucleotide variant.
Coding change: c.1431T>A on transcript NM_000059.4 (MANE Select); coding-DNA position 1431, T replaced by A.
Protein change: p.His477Gln; replaces histidine 477 with glutamine.
Molecular consequence: missense variant. On other transcripts: non-coding transcript variant (1), intron variant (1).
Genome position (GRCh38, 1-based): chr13:32,332,909, T>A. VCF-style: chr13-32332909-T-A. GRCh37 (hg19) VCF-style: chr13-32907046-T-A.
Other names: c.1431T>A, p.His477Gln (NM_001406719.1, NM_001406720.1, NM_001406721.1 and 1 more transcripts); c.424+1879T>A (NM_001406722.1); short protein forms H477Q.
Identifiers: ClinVar variation 3636423 (VCV003636423.2).
Genomic context (GRCh38, chr13:32,332,909, plus strand): 5'-GCCATTAAATGAGGAAACAGTGGTAAATAAGAGAGATGAAGAGCAGCATCTTGAATCTCA[T>A]ACAGACTGCATTCTTGCAGTAAAGCAGGCAATATCTGGAACTTCTCCAGTGGCTTCTTCA-3'
Protein context (NP_000050.3, residues 467-487): KRDEEQHLES[His477Gln]TDCILAVKQA